The following is an entry in ClinVar:

ClinVar aggregate classification (germline): Likely pathogenic (1 of 4 stars; one submission).

Conditions:
Myo-tubulinopathy.

Submission:

Harry Perkins Institute Of Medical Research, University Of Western Australia
Classification: Likely pathogenic for Myo-tubulinopathy. Review status: criteria provided, single submitter. Criteria: ACMG Guidelines, 2015. Collection method: research. Allele origin: de novo. Inheritance: Autosomal dominant inheritance. Affected: yes. Observed: 1 variant allele.
Comment: PP3_Moderate, PM2_Supporting, PP2_Supporting, PS2_strong

Literature cited by the submitters: PubMed 40666348.

NM_006000.3(TUBA4A):c.33G>C (p.Gln11His)

Gene: TUBA4A (tubulin alpha 4a; minus strand). Cytogenetic location: 2q35.
Variant type: single nucleotide variant.
Coding change: c.33G>C on transcript NM_006000.3 (MANE Select); coding-DNA position 33, G replaced by C.
Protein change: p.Gln11His; replaces glutamine 11 with histidine.
Molecular consequence: missense variant. On other transcripts: 5 prime UTR variant (1).
Genome position (GRCh38, 1-based): chr2:219,252,201, C>G on the plus strand (G>C on the coding strand, the complement: TUBA4A is on the minus strand). VCF-style: chr2-219252201-C-G. GRCh37 (hg19) VCF-style: chr2-220116923-C-G.
Other names: c.-13G>C (NM_001278552.2); short protein forms Q11H.
Identifiers: ClinVar variation 4857669 (VCV004857669.1).